The following is an entry in ClinVar:

ClinVar aggregate classification (germline): Likely benign. Review status: criteria provided, multiple submitters, no conflicts (2 of 4 stars). 3 submissions from 3 submitters: Likely benign (3). Last evaluated 2025-03-01.

Conditions:
Dyskeratosis congenita. Identifiers: Orphanet 1775, MedGen C0265965, MONDO:0015780.
Idiopathic Pulmonary Fibrosis. Also called: Idiopathic fibrosing alveolitis, chronic form; idiopathic fibrosing alveolitis. Identifiers: Orphanet 2032, MedGen C1800706, MeSH D054990, MONDO:0800504.
Dyskeratosis congenita, autosomal dominant 2. Identifiers: MedGen C3151443, MONDO:0013521, OMIM 613989.

Allele frequency attached by ClinVar (database versions not stated): gnomAD 0.00001; gnomAD exomes 0.00001 and below 0.00001; TOPMed 0.00002; ExAC 0.00001.
gnomAD v4.1: 8 of 1,612,602 alleles (0.0005%); highest among the groups gnomAD compares: South Asian, 0.0055%; no homozygotes.

Submissions (3):

CeGaT Center for Human Genetics Tuebingen
Classification: Likely benign. Last evaluated: 2025-03-01. Review status: criteria provided, single submitter. Criteria: CeGaT Center For Human Genetics Tuebingen Variant Classification Criteria Version 2. Collection method: clinical testing. Allele origin: germline. Affected: yes. Observed: 2 variant alleles.
Comment: TERT: BP4, BP7

Labcorp Genetics (formerly Invitae), Labcorp
Classification: Likely benign for Dyskeratosis congenita, autosomal dominant 2; Idiopathic Pulmonary Fibrosis. Last evaluated: 2025-01-20. Review status: criteria provided, single submitter. Criteria: Invitae Variant Classification Sherloc (09022015). Collection method: clinical testing. Allele origin: germline.

Ambry Genetics
Classification: Likely benign for Dyskeratosis congenita. Last evaluated: 2020-06-24. Review status: criteria provided, single submitter. Criteria: Ambry Variant Classification Scheme 2023. Collection method: clinical testing. Allele origin: germline.

NM_198253.3(TERT):c.3183C>T (p.Ala1061=)

Gene: TERT (telomerase reverse transcriptase; minus strand). Cytogenetic location: 5p15.33.
Variant type: single nucleotide variant.
Coding change: c.3183C>T on transcript NM_198253.3 (MANE Select); coding-DNA position 3183, C replaced by T.
Protein change: p.Ala1061=; no amino-acid change (alanine 1061 retained).
Molecular consequence: synonymous variant. On other transcripts: non-coding transcript variant (2).
Genome position (GRCh38, 1-based): chr5:1,254,480, G>A on the plus strand (C>T on the coding strand, the complement: TERT is on the minus strand). VCF-style: chr5-1254480-G-A. GRCh37 (hg19) VCF-style: chr5-1254595-G-A.
Other names: c.2994C>T, p.Ala998= (NM_001193376.3).
Identifiers: ClinVar variation 539234 (VCV000539234.34), dbSNP rs769532174, ClinGen allele CA3184251.